The following is an entry in ClinVar:

NM_174936.4(PCSK9):c.*234C>T

Gene: PCSK9 (proprotein convertase subtilisin/kexin type 9; plus strand). Cytogenetic location: 1p32.3.
Variant type: single nucleotide variant.
Coding change: c.*234C>T on transcript NM_174936.4 (MANE Select); 234 bases downstream of the stop codon, C replaced by T.
Molecular consequence: 3 prime UTR variant.
Genome position (GRCh38, 1-based): chr1:55,063,818, C>T. VCF-style: chr1-55063818-C-T. GRCh37 (hg19) VCF-style: chr1-55529491-C-T.
Other names: c.*234C>T (NM_001407240.1, NM_001407241.1, NM_001407242.1 and 5 more transcripts).
Identifiers: ClinVar variation 297719 (VCV000297719.14), dbSNP rs182138201, ClinGen allele CA10611420.
Genomic context (GRCh38, chr1:55,063,818, plus strand): 5'-GGAACTCACTCACTCTGGGTGCCTCCTCCCCAGGTGGAGGTGCCAGGAAGCTCCCTCCCT[C>T]ACTGTGGGGCATTTCACCATTCAAACAGGTCGAGCTGTGCTCGGGTGCTGCCAGCTGCTC-3'

ClinVar aggregate classification (germline): Likely benign. Review status: criteria provided, multiple submitters, no conflicts (2 of 4 stars). 4 submissions from 3 submitters: Likely benign (4). Last evaluated 2026-10-01.

Conditions:
Hypobetalipoproteinemia. Identifiers: Orphanet 31154, MedGen C0020597, MONDO:0017774.
Hypercholesterolemia, autosomal dominant, 3 (FHCL3). Also called: PCSK9-Related Familial Hypercholesterolemia, Autosomal Dominant; Familial hypercholesterolemia 3; Familial Hypercholesterolemia, Autosomal Dominant, 3. Identifiers: MedGen C1863551, MONDO:0011369, OMIM 603776.

Allele frequency attached by ClinVar (database versions not stated): 1000 Genomes Project 0.00300; 1000 Genomes Project 30x 0.00312; gnomAD 0.00375 and 0.00378; TOPMed 0.00443; gnomAD exomes 0.00444.

Submissions (4):

CeGaT Center for Human Genetics Tuebingen
Classification: Likely benign. Last evaluated: 2026-10-01. Review status: criteria provided, single submitter. Criteria: CeGaT Center For Human Genetics Tuebingen Variant Classification Criteria Version 2. Collection method: clinical testing. Allele origin: germline. Affected: yes. Observed: 19 variant alleles.
Comment: PCSK9: BS2

Illumina Laboratory Services, Illumina
Classification: Likely benign for Hypercholesterolemia, autosomal dominant, 3. Last evaluated: 2018-01-13. Review status: criteria provided, single submitter. Criteria: ICSL Variant Classification Criteria 13 December 2019. Collection method: clinical testing. Allele origin: germline.
Comment: This variant was observed in the ICSL laboratory as part of a predisposition screen in an ostensibly healthy population. It had not been previously curated by ICSL or reported in the Human Gene Mutation Database (HGMD: prior to June 1st, 2018), and was therefore a candidate for classification through an automated scoring system. Utilizing variant allele frequency, disease prevalence and penetrance estimates, and inheritance mode, an automated score was calculated to assess if this variant is too frequent to cause the disease. Based on the score and internal cut-off values, a variant classified as likely benign is not then subjected to further curation. The score for this variant resulted in a classification of likely benign for this disease.

Illumina Laboratory Services, Illumina
Classification: Likely benign for Hypobetalipoproteinemia. Last evaluated: 2018-01-13. Review status: criteria provided, single submitter. Criteria: ICSL Variant Classification Criteria 13 December 2019. Collection method: clinical testing. Allele origin: germline.
Comment: the same text as in the submission from Illumina Laboratory Services, Illumina above.

Breakthrough Genomics
Classification: Likely benign. Review status: criteria provided, single submitter. Criteria: ACMG Guidelines, 2015. Collection method: not provided. Allele origin: germline. Inheritance: Autosomal dominant inheritance. Affected: yes.